The following is an entry in ClinVar:

ClinVar aggregate classification (germline): Uncertain significance. Review status: criteria provided, multiple submitters, no conflicts (2 of 4 stars). 6 submissions from 6 submitters: Uncertain significance (5). 1 of the submissions does not count toward it. Last evaluated 2024-02-02.

Conditions:
Hereditary cancer-predisposing syndrome. Also called: Neoplastic Syndromes, Hereditary; Hereditary neoplastic syndrome; Hereditary Cancer Syndrome; Tumor predisposition. Identifiers: Orphanet 140162, MedGen C0027672, MeSH D009386, MONDO:0015356.
Melanoma-pancreatic cancer syndrome. Identifiers: Orphanet 404560, MedGen C1838547, MONDO:0011713, OMIM 606719. Disease mechanism: loss of function.
Melanoma and neural system tumor syndrome. Also called: MELANOMA-ASTROCYTOMA SYNDROME. Identifiers: Orphanet 252206, MedGen C1835042, MONDO:0007967, OMIM 155755.
Melanoma, cutaneous malignant, susceptibility to, 2 (CMM2). Also called: CDKN2A-Related Cutaneous Malignant Melanoma; Cutaneous malignant melanoma 2. Identifiers: Orphanet 618, MedGen C1835044, MONDO:0007964, OMIM 155601.
Familial melanoma. Also called: Hereditary melanoma; Hereditary cutaneous melanoma. Identifiers: Orphanet 618, MedGen C1512419, MONDO:0018961.

Allele frequency attached by ClinVar (database versions not stated): gnomAD exomes below 0.00001 and 0.00003; TOPMed 0.00001; gnomAD 0.00001.
gnomAD v4.1: 39 of 1,606,486 alleles (0.0024%); highest among the groups gnomAD compares: Non-Finnish European, 0.0033%; no homozygotes.

Submissions (6):

Fulgent Genetics
Classification: Uncertain significance for Melanoma, cutaneous malignant, susceptibility to, 2; Melanoma and neural system tumor syndrome; Melanoma-pancreatic cancer syndrome. Last evaluated: 2024-02-02. Review status: criteria provided, single submitter. Criteria: ACMG Guidelines, 2015. Collection method: clinical testing. Allele origin: germline.

Ambry Genetics
Classification: Uncertain significance for Hereditary cancer-predisposing syndrome. Last evaluated: 2023-08-30. Review status: criteria provided, single submitter. Criteria: Ambry Variant Classification Scheme 2023. Collection method: clinical testing. Allele origin: germline.
Comment: The p.I27L variant (also known as c.79A>C), located in coding exon 1 of the CDKN2A (p14ARF) gene, results from an A to C substitution at nucleotide position 79. The isoleucine at codon 27 is replaced by leucine, an amino acid with highly similar properties. This alteration has been reported in an individual with acute lymphoblastic leukemia (Xu H et al. Nat Commun, 2015 Jun;6:7553). This amino acid position is not well conserved in available vertebrate species. In addition, this alteration is predicted to be tolerated by in silico analysis. Since supporting evidence is limited at this time, the clinical significance of this alteration remains unclear.

Myriad Genetics, Inc.
Classification: Uncertain significance for Melanoma-pancreatic cancer syndrome. Last evaluated: 2023-04-21. Review status: criteria provided, single submitter. Criteria: Myriad Autosomal Dominant, Autosomal Recessive and X-Linked Classification Criteria (2023). Collection method: clinical testing. Allele origin: unknown.
Comment: This variant is classified as a variant of uncertain significance as there is insufficient evidence to determine its impact on protein function and/or cancer risk.

Labcorp Genetics (formerly Invitae), Labcorp
Classification: Uncertain significance for Familial melanoma. Last evaluated: 2021-10-28. Review status: criteria provided, single submitter. Criteria: Invitae Variant Classification Sherloc (09022015). Collection method: clinical testing. Allele origin: germline.
Comment: This sequence change replaces isoleucine, which is neutral and non-polar, with leucine, which is neutral and non-polar, at codon 27 of the CDKN2A (p14ARF) protein (p.Ile27Leu). This variant is present in population databases (no rsID available, gnomAD 0.001%). This missense change has been observed in individual(s) with acute lymphoblastic leukemia (PMID: 26104880). ClinVar contains an entry for this variant (Variation ID: 371881). Algorithms developed to predict the effect of missense changes on protein structure and function (SIFT, PolyPhen-2, Align-GVGD) all suggest that this variant is likely to be tolerated. In summary, the available evidence is currently insufficient to determine the role of this variant in disease. Therefore, it has been classified as a Variant of Uncertain Significance.

GeneDx
Classification: Uncertain significance. Last evaluated: 2019-08-07. Review status: criteria provided, single submitter. Criteria: GeneDx Variant Classification Process June 2021. Collection method: clinical testing. Allele origin: germline. Affected: yes.
Comment: Not observed at a significant frequency in large population cohorts (Lek et al., 2016); n silico analysis, which includes protein predictors and evolutionary conservation, supports that this variant does not alter protein structure/function; This variant is associated with the following publications: (PMID: 26104880)

Counsyl
Classification: Uncertain significance for Melanoma-pancreatic cancer syndrome. Last evaluated: 2016-07-13. Review status: no assertion criteria provided. Collection method: clinical testing. Allele origin: unknown. Not counted in ClinVar's aggregate classification.

Literature cited by the submitters: PubMed 26104880 (cited by 3 submitters).

NM_058195.4(CDKN2A):c.79A>C (p.Ile27Leu)

Gene: CDKN2A (cyclin dependent kinase inhibitor 2A; minus strand). Cytogenetic location: 9p21.3.
Variant type: single nucleotide variant.
Coding change: c.79A>C on transcript NM_058195.4 (MANE Plus Clinical); coding-DNA position 79, A replaced by C.
Protein change: p.Ile27Leu; replaces isoleucine 27 with leucine.
Molecular consequence: missense variant. On other transcripts: intron variant (1).
Genome position (GRCh38, 1-based): chr9:21,994,253, T>G on the plus strand (A>C on the coding strand, the complement: CDKN2A is on the minus strand). VCF-style: chr9-21994253-T-G. GRCh37 (hg19) VCF-style: chr9-21994252-T-G.
Other names: c.-4+568A>C (NM_001363763.2); short protein forms I27L.
Identifiers: ClinVar variation 371881 (VCV000371881.15), dbSNP rs1057517575, ClinGen allele CA16042110.